The following is an entry in ClinVar:

ClinVar aggregate classification (germline): Pathogenic (1 of 4 stars; one submission).

Submission:

Labcorp Genetics (formerly Invitae), Labcorp
Classification: Pathogenic. Last evaluated: 2023-09-08. Review status: criteria provided, single submitter. Criteria: Invitae Variant Classification Sherloc (09022015). Collection method: clinical testing. Allele origin: unknown.
Comment: A similar copy number variant has been observed in individual(s) with retinitis pigmentosa (PMID: 21677792, 30416333). It is commonly reported in individuals of Faroe Islander ancestry (PMID: 21677792, 30416333). For these reasons, this variant has been classified as Pathogenic. This variant is a gross deletion of the genomic region encompassing exon(s) 1-7 of the MERTK gene, which includes the initiator codon. This deletion extends beyond the assayed region for this gene and therefore may encompass additional genes. It is expected to result in an absent or disrupted protein product. Loss-of-function variants in MERTK are known to be pathogenic (PMID: 24265693, 29659094).

Literature cited by the submitters: PubMed 21677792; PubMed 30416333; PubMed 24265693; PubMed 29659094.

NC_000002.11:g.(?_112656313)_(112733069_?)del

Gene: MERTK (MER proto-oncogene, tyrosine kinase; plus strand). Cytogenetic location: 2q13.
Variant type: Deletion.
Identifiers: ClinVar variation 3247536 (VCV003247536.1).